The following is an entry in ClinVar:

ClinVar aggregate classification (germline): Pathogenic (1 of 4 stars; one submission).

Conditions:
X-linked myopathy with postural muscle atrophy. Also called: FHL1-Related Emery-Dreifuss Muscular Dystrophy, X-Linked. Identifiers: Orphanet 178461, MedGen C2678055, MONDO:0010401, OMIM 300696.

Submissions (3):

Labcorp Genetics (formerly Invitae), Labcorp
Classification: Pathogenic for X-linked myopathy with postural muscle atrophy. Last evaluated: 2022-04-23. Review status: criteria provided, single submitter. Criteria: Invitae Variant Classification Sherloc (09022015). Collection method: clinical testing. Allele origin: germline.
Comment: This variant has not been reported in the literature in individuals affected with FHL1-related conditions. This variant disrupts a region of the FHL1 protein in which other variant(s) (p.Cys276Tyr) have been determined to be pathogenic (PMID: 19716112). This suggests that this is a clinically significant region of the protein, and that variants that disrupt it are likely to be disease-causing. For these reasons, this variant has been classified as Pathogenic. This sequence change creates a premature translational stop signal (p.Glu269*) in the FHL1 gene. While this is not anticipated to result in nonsense mediated decay, it is expected to disrupt the last 12 amino acid(s) of the FHL1 protein. This variant is not present in population databases (gnomAD no frequency).

Dr. Peter K. Rogan Lab, Western University
No classification provided (evidence only). Condition: Thyroid cancer, nonmedullary, 1. Review status: no classification provided. Collection method: in vitro. Allele origin: not applicable. Functional consequence: retained intron. Not counted in ClinVar's aggregate classification.

Dr. Peter K. Rogan Lab, Western University
No classification provided (evidence only). Condition: Thyroid cancer, nonmedullary, 1. Review status: no classification provided. Collection method: in vitro. Allele origin: not applicable. Functional consequence: retained intron. Not counted in ClinVar's aggregate classification.

Literature cited by the submitters: PubMed 19716112 (cited by Labcorp Genetics (formerly Invitae), Labcorp).

NM_001159699.2(FHL1):c.853G>T (p.Glu285Ter)

Gene: FHL1 (four and a half LIM domains 1; plus strand). Cytogenetic location: Xq26.3.
Variant type: single nucleotide variant.
Coding change: c.853G>T on transcript NM_001159699.2 (MANE Select); coding-DNA position 853, G replaced by T.
Protein change: p.Glu285Ter; replaces glutamic acid 285 with a stop codon.
Molecular consequence: nonsense. On other transcripts: 3 prime UTR variant (6), non-coding transcript variant (1).
Genome position (GRCh38, 1-based): chrX:136,209,987, G>T. VCF-style: chrX-136209987-G-T. GRCh37 (hg19) VCF-style: chrX-135292146-G-T.
Other names: c.805G>T, p.Glu269Ter (NM_001159700.2, NM_001159704.1, NM_001167819.1 and 4 more transcripts); c.892G>T, p.Glu298Ter (NM_001159701.2); c.*33G>T (NM_001159702.3, NM_001159703.2, NM_001330659.2 and 3 more transcripts); short protein forms E285*, E298*, E269*.
Identifiers: ClinVar variation 2129653 (VCV002129653.5), dbSNP rs2521337446, ClinGen allele CA414609879.
Genomic context (GRCh38, chrX:136,209,987, plus strand): 5'-TGCTTCCACTGCAAAAAATGCTCCGTGAATCTGGCCAACAAGCGCTTTGTTTTCCACCAG[G>T]AGCAAGTGTATTGTCCCGACTGTGCCAAAAAGCTGTAAACTGACAGGGGCTCCTGTCCTG-3'